The following is an entry in ClinVar:

ClinVar aggregate classification (germline): Uncertain significance (1 of 4 stars; one submission).

Allele frequency attached by ClinVar (database versions not stated): TOPMed 0.00002; gnomAD 0.00003; gnomAD exomes 0.00003; 1000 Genomes Project 30x 0.00016; 1000 Genomes Project 0.00020.

Submission:

Women's Health and Genetics/Laboratory Corporation of America, LabCorp
Classification: Uncertain significance. Last evaluated: 2022-12-21. Review status: criteria provided, single submitter. Criteria: LabCorp Variant Classification Summary - May 2015. Collection method: clinical testing. Allele origin: germline.
Comment: Variant summary: HS6ST1 c.857G>A (p.Arg286Gln) results in a conservative amino acid change in the encoded protein sequence. Four of five in-silico tools predict a benign effect of the variant on protein function. The variant allele was found at a frequency of 9.8e-06 in 203822 control chromosomes (gnomAD). The available data on variant occurrences in the general population are insufficient to allow any conclusion about variant significance. To our knowledge, no occurrence of c.857G>A in individuals affected with Hypogonadotropic Hypogonadism 15 With Or Without Anosmia and no experimental evidence demonstrating its impact on protein function have been reported. No clinical diagnostic laboratories have submitted clinical-significance assessments for this variant to ClinVar after 2014. Based on the evidence outlined above, the variant was classified as uncertain significance.

NM_004807.3(HS6ST1):c.857G>A (p.Arg286Gln)

Gene: HS6ST1 (heparan sulfate 6-O-sulfotransferase 1; minus strand). Cytogenetic location: 2q14.3.
Variant type: single nucleotide variant.
Coding change: c.857G>A on transcript NM_004807.3 (MANE Select); coding-DNA position 857, G replaced by A.
Protein change: p.Arg286Gln; replaces arginine 286 with glutamine.
Molecular consequence: missense variant.
Genome position (GRCh38, 1-based): chr2:128,268,541, C>T on the plus strand (G>A on the coding strand, the complement: HS6ST1 is on the minus strand). VCF-style: chr2-128268541-C-T. GRCh37 (hg19) VCF-style: chr2-129026115-C-T.
Other names: short protein forms R286Q.
Identifiers: ClinVar variation 1878353 (VCV001878353.1), dbSNP rs556856038, ClinGen allele CA1867535.